The following is an entry in ClinVar:

ClinVar aggregate classification (germline): Uncertain significance. Review status: criteria provided, multiple submitters, no conflicts (2 of 4 stars). 3 submissions from 3 submitters: Uncertain significance (3). Last evaluated 2025-02-04.

Allele frequency attached by ClinVar (database versions not stated): gnomAD exomes below 0.00001 and 0.00001; TOPMed below 0.00001.
gnomAD v4.1: 2 of 1,532,904 alleles (0.00013%); highest among the groups gnomAD compares: Admixed American, 0.0039%; no homozygotes.

Submissions (3):

Labcorp Genetics (formerly Invitae), Labcorp
Classification: Uncertain significance. Last evaluated: 2025-02-04. Review status: criteria provided, single submitter. Criteria: Invitae Variant Classification Sherloc (09022015). Collection method: clinical testing. Allele origin: germline.
Comment: This sequence change replaces aspartic acid, which is acidic and polar, with glycine, which is neutral and non-polar, at codon 929 of the PDZD7 protein (p.Asp929Gly). This variant is present in population databases (no rsID available, gnomAD 0.008%). This variant has not been reported in the literature in individuals affected with PDZD7-related conditions. ClinVar contains an entry for this variant (Variation ID: 858101). Experimental studies and prediction algorithms are not available or were not evaluated, and the functional significance of this variant is currently unknown. In summary, the available evidence is currently insufficient to determine the role of this variant in disease. Therefore, it has been classified as a Variant of Uncertain Significance.

Blueprint Genetics
Classification: Uncertain significance. Last evaluated: 2024-07-19. Review status: criteria provided, single submitter. Criteria: ACMG Guidelines, 2015. Collection method: clinical testing. Allele origin: germline.

GeneDx
Classification: Uncertain significance. Last evaluated: 2023-07-18. Review status: criteria provided, single submitter. Criteria: GeneDx Variant Classification Process June 2021. Collection method: clinical testing. Allele origin: germline. Affected: yes.
Comment: In silico analysis supports that this missense variant has a deleterious effect on protein structure/function; Has not been previously published as pathogenic or benign to our knowledge

NM_001195263.2(PDZD7):c.2786A>G (p.Asp929Gly)

Gene: PDZD7 (PDZ domain containing 7; minus strand). Cytogenetic location: 10q24.31.
Variant type: single nucleotide variant.
Coding change: c.2786A>G on transcript NM_001195263.2 (MANE Select); coding-DNA position 2786, A replaced by G.
Protein change: p.Asp929Gly; replaces aspartic acid 929 with glycine.
Molecular consequence: missense variant.
Genome position (GRCh38, 1-based): chr10:101,008,783, T>C on the plus strand (A>G on the coding strand, the complement: PDZD7 is on the minus strand). VCF-style: chr10-101008783-T-C. GRCh37 (hg19) VCF-style: chr10-102768540-T-C.
Other names: short protein forms D929G.
Identifiers: ClinVar variation 858101 (VCV000858101.12), dbSNP rs1465344876, ClinGen allele CA378223346.